The following is an entry in ClinVar:

ClinVar aggregate classification (germline): Uncertain significance (1 of 4 stars; one submission).

Submission:

Ambry Genetics
Classification: Uncertain significance. Last evaluated: 2022-07-27. Review status: criteria provided, single submitter. Criteria: Ambry Variant Classification Scheme 2023. Collection method: clinical testing. Allele origin: germline.
Comment: The p.D2090E variant (also known as c.6270C>G), located in coding exon 11 of the ALPK2 gene, results from a C to G substitution at nucleotide position 6270. The aspartic acid at codon 2090 is replaced by glutamic acid, an amino acid with highly similar properties. This amino acid position is conserved. In addition, this alteration is predicted to be tolerated by in silico analysis. Since supporting evidence is limited at this time, the clinical significance of this alteration remains unclear.

NM_052947.4(ALPK2):c.6270C>G (p.Asp2090Glu)

Gene: ALPK2 (alpha kinase 2; minus strand). Cytogenetic location: 18q21.31.
Variant type: single nucleotide variant.
Coding change: c.6270C>G on transcript NM_052947.4 (MANE Select); coding-DNA position 6270, C replaced by G.
Protein change: p.Asp2090Glu; replaces aspartic acid 2090 with glutamic acid.
Molecular consequence: missense variant.
Genome position (GRCh38, 1-based): chr18:58,498,075, G>C on the plus strand (C>G on the coding strand, the complement: ALPK2 is on the minus strand). VCF-style: chr18-58498075-G-C. GRCh37 (hg19) VCF-style: chr18-56165307-G-C.
Other names: short protein forms D2090E.
Identifiers: ClinVar variation 1752551 (VCV001752551.2), dbSNP rs146778283, ClinGen allele CA402541925.